The following is an entry in ClinVar:

ClinVar aggregate classification (germline): Uncertain significance (1 of 4 stars; one submission).

Conditions:
Epilepsy, familial focal, with variable foci 2 (FFEVF2). Identifiers: MedGen C4310709, MONDO:0014924, OMIM 617116.

gnomAD v4.1: 1 of 1,614,016 alleles (0.000062%); highest among the groups gnomAD compares: Non-Finnish European, 0.000085%; no homozygotes.

Submission:

Institute of Human Genetics, University of Leipzig Medical Center
Classification: Uncertain significance for Epilepsy, familial focal, with variable foci 2. Last evaluated: 2022-06-08. Review status: criteria provided, single submitter. Criteria: ACMG Guidelines, 2015. Collection method: clinical testing. Allele origin: maternal. Affected: yes.
Comment: _x000D_ Criteria applied: PM1_SUP, PM2_SUP, PP3

NM_006545.5(NPRL2):c.683T>C (p.Leu228Pro)

Gene: NPRL2 (NPR2 like, GATOR1 complex subunit; minus strand). Cytogenetic location: 3p21.31.
Variant type: single nucleotide variant.
Coding change: c.683T>C on transcript NM_006545.5 (MANE Select); coding-DNA position 683, T replaced by C.
Protein change: p.Leu228Pro; replaces leucine 228 with proline.
Molecular consequence: missense variant.
Genome position (GRCh38, 1-based): chr3:50,348,685, A>G on the plus strand (T>C on the coding strand, the complement: NPRL2 is on the minus strand). VCF-style: chr3-50348685-A-G. GRCh37 (hg19) VCF-style: chr3-50386116-A-G.
Other names: short protein forms L228P.
Identifiers: ClinVar variation 1697305 (VCV001697305.1), dbSNP rs1559856358, ClinGen allele CA352949467.
Genomic context (GRCh38, chr3:50,348,685, plus strand): 5'-GCCCCTGAGGTCTTCCCTGGCTGGTGACCTTGTCCCAGGTATGACTGTAGGCCCACTCAC[A>G]GCAGGTTCTGGATAGCAATGCGCACCAGGTTGAGCTCCACATCTGCCTCTGCTGAAATCT-3'
Protein context (NP_006536.3, residues 218-238): NLVRIAIQNL[Leu228Pro]YYGVVTLVSI